The following is an entry in ClinVar:

ClinVar aggregate classification (germline): Likely benign. Review status: criteria provided, multiple submitters, no conflicts (2 of 4 stars). 2 submissions from 2 submitters: Likely benign (2). Last evaluated 2025-05-26.

Conditions:
Epidermolysis bullosa simplex 3, localized or generalized intermediate, with BP230 deficiency (EBS3). Also called: Epidermolysis bullosa simplex due to BP230 deficiency; Epidermolysis bullosa simplex, autosomal recessive 2. Identifiers: Orphanet 412181, MedGen C3809470, MONDO:0014180, OMIM 615425.
Hereditary sensory and autonomic neuropathy type 6. Also called: Neuropathy, hereditary sensory and autonomic, type VI; HSAN VI. Identifiers: Orphanet 314381, MedGen C3539003, MONDO:0013839, OMIM 614653.
DST-related disorder. Also called: DST-related disorders; DST-related condition.

Allele frequency attached by ClinVar (database versions not stated): gnomAD exomes 0.00003 and 0.00009; ExAC 0.00011; ESP Exome Variant Server 0.00025; gnomAD 0.00034 and 0.00036; TOPMed 0.00037; 1000 Genomes Project 0.00040; 1000 Genomes Project 30x 0.00047.
gnomAD v4.1: 95 of 1,613,610 alleles (0.0059%); highest among the groups gnomAD compares: African/African-American, 0.12%; no homozygotes.

Submissions (2):

PreventionGenetics, part of Exact Sciences
Classification: Likely benign for DST-related condition. Last evaluated: 2025-05-26. Review status: criteria provided, single submitter. Criteria: ACMG Guidelines, 2015. Collection method: clinical testing. Allele origin: germline.
Comment: This variant is classified as likely benign based on ACMG/AMP sequence variant interpretation guidelines (Richards et al. 2015 PMID: 25741868, with internal and published modifications).

Labcorp Genetics (formerly Invitae), Labcorp
Classification: Likely benign for Epidermolysis bullosa simplex 3, localized or generalized intermediate, with BP230 deficiency; Hereditary sensory and autonomic neuropathy type 6. Last evaluated: 2024-12-16. Review status: criteria provided, single submitter. Criteria: Invitae Variant Classification Sherloc (09022015). Collection method: clinical testing. Allele origin: germline.

NM_001374736.1(DST):c.14274T>C (p.Asp4758=)

Genes: DST (dystonin; minus strand), LOC129389544 (MPRA-validated peak5860 silencer; plus strand). Cytogenetic location: 6p12.1.
Variant type: single nucleotide variant.
Coding change: c.14274T>C on transcript NM_001374736.1 (MANE Select); coding-DNA position 14274, T replaced by C.
Protein change: p.Asp4758=; no amino-acid change (aspartic acid 4758 retained).
Molecular consequence: synonymous variant.
Genome position (GRCh38, 1-based): chr6:56,561,344, A>G on the plus strand (T>C on the coding strand, the complement: DST is on the minus strand). VCF-style: chr6-56561344-A-G. GRCh37 (hg19) VCF-style: chr6-56426142-A-G.
Other names: c.7917T>C, p.Asp2639= (NM_001144769.5); c.7503T>C, p.Asp2501= (NM_001144770.2); c.14274T>C, p.Asp4758= (NM_001374722.1); c.13641T>C, p.Asp4547= (NM_001374729.1); c.7383T>C, p.Asp2461= (NM_001374730.1, NM_001386100.1, NM_183380.4); c.14301T>C, p.Asp4767= (NM_001374734.1); c.6405T>C, p.Asp2135= (NM_015548.5); c.7917T>C (NM_001144769.2).
Identifiers: ClinVar variation 1161084 (VCV001161084.10), dbSNP rs184283341, ClinGen allele CA3868062.